The following is an entry in ClinVar:

NM_000287.4(PEX6):c.1688+2T>G

Gene: PEX6 (peroxisomal biogenesis factor 6; minus strand). Cytogenetic location: 6p21.1.
Variant type: single nucleotide variant.
Coding change: c.1688+2T>G on transcript NM_000287.4 (MANE Select); the canonical splice donor site of the intron after coding-DNA position 1688, T replaced by G.
Molecular consequence: splice donor variant.
Genome position (GRCh38, 1-based): chr6:42,968,288, A>C on the plus strand (T>G on the coding strand, the complement: PEX6 is on the minus strand). VCF-style: chr6-42968288-A-C. GRCh37 (hg19) VCF-style: chr6-42936026-A-C.
Other names: c.1424+2T>G (NM_001316313.2).
Identifiers: ClinVar variation 5004350 (VCV005004350.1).

ClinVar aggregate classification (germline): Likely pathogenic (1 of 4 stars; one submission).

Conditions:
Peroxisome biogenesis disorder. Identifiers: Orphanet 79189, MedGen C1832200, MONDO:0019234. Disease mechanism: loss of function.

Submission:

Myriad Genetics, Inc.
Classification: Likely pathogenic for Peroxisome biogenesis disorder. Last evaluated: 2025-12-29. Review status: criteria provided, single submitter. Criteria: Myriad Autosomal Dominant, Autosomal Recessive and X-Linked Classification Criteria (2023). Collection method: clinical testing. Allele origin: unknown.
Comment: NM_000287.3(PEX6):c.1688+2T>G is a variant in a canonical splice site classified as likely pathogenic in the context of peroxisome biogenesis disorder type 4. c.1688+2T>G has not been observed in cases with relevant disease. Relevant functional assessments of this variant are not available in the literature. c.1688+2T>G has not been observed in referenced population frequency databases. In summary, NM_000287.3(PEX6):c.1688+2T>G is a variant in a canonical splice site in a gene where loss of function is a known mechanism of disease and is predicted to disrupt protein function. Please note: this variant was assessed in the context of healthy population screening.